The following is an entry in ClinVar:

NM_000098.3(CPT2):c.1838G>A (p.Gly613Glu)

Gene: CPT2 (carnitine palmitoyltransferase 2; plus strand). Cytogenetic location: 1p32.3.
Variant type: single nucleotide variant.
Coding change: c.1838G>A on transcript NM_000098.3 (MANE Select); coding-DNA position 1838, G replaced by A.
Protein change: p.Gly613Glu; replaces glycine 613 with glutamic acid.
Molecular consequence: missense variant.
Genome position (GRCh38, 1-based): chr1:53,213,456, G>A. VCF-style: chr1-53213456-G-A. GRCh37 (hg19) VCF-style: chr1-53679128-G-A.
Other names: c.1769G>A, p.Gly590Glu (NM_001330589.2); short protein forms G590E, G613E.
Identifiers: ClinVar variation 4535508 (VCV004535508.1).

ClinVar aggregate classification (germline): Uncertain significance (1 of 4 stars; one submission).

gnomAD v4.1: 3 of 1,614,214 alleles (0.00019%); highest among the groups gnomAD compares: South Asian, 0.0033%; no homozygotes.

Submission:

Women's Health and Genetics/Laboratory Corporation of America, LabCorp
Classification: Uncertain significance. Last evaluated: 2025-09-16. Review status: criteria provided, single submitter. Criteria: LabCorp Variant Classification Summary - May 2015. Collection method: clinical testing. Allele origin: germline.
Comment: Variant summary: CPT2 c.1838G>A (p.Gly613Glu) results in a non-conservative amino acid change in the encoded protein sequence. Algorithms developed to predict the effect of missense changes on protein structure and function all suggest that this variant is likely to be disruptive. The variant allele was found at a frequency of 4e-06 in 251496 control chromosomes. c.1838G>A has been observed in individual(s) affected with Carnitine Palmitoyltransferase II Deficiency (example: Ghosh_2017). These data indicate that the variant may be associated with disease. To our knowledge, no experimental evidence demonstrating an impact on protein function has been reported. The following publication has been ascertained in the context of this evaluation (PMID: 28468868). No submitters have cited clinical-significance assessments for this variant to ClinVar. Based on the evidence outlined above, the variant was classified as VUS-possibly pathogenic.

Literature cited by the submitters: PubMed 28468868.